The following is an entry in ClinVar:

ClinVar aggregate classification (germline): Conflicting classifications of pathogenicity. Review status: criteria provided, conflicting classifications (1 of 4 stars). 3 submissions from 3 submitters: Uncertain significance (1); Likely benign (2). Last evaluated 2026-02-02.

Conditions:
Heterotopia, periventricular, X-linked dominant (PVNH1). Also called: PERIVENTRICULAR NODULAR HETEROTOPIA 1; PERIVENTRICULAR NODULAR HETEROTOPIA 4; HETEROTOPIA, PERIVENTRICULAR, 1; X-linked periventricular heterotopia. Identifiers: Orphanet 2149, Orphanet 82004, MedGen C1848213, MONDO:0010233, OMIM 300049.
Melnick-Needles syndrome (MNS). Also called: MELNICK-NEEDLES OSTEODYSPLASTY; OSTEODYSPLASTY OF MELNICK AND NEEDLES; Melnick-Needles Syndrome (FLNA-MNS). Identifiers: Orphanet 2484, MedGen C0025237, MONDO:0010650, OMIM 309350.
Frontometaphyseal dysplasia 1 (FMD1). Also called: Frontometaphyseal Dysplasia (FLNA-FMD). Identifiers: Orphanet 1826, MedGen C4281559, MONDO:0024550, OMIM 305620.
Oto-palato-digital syndrome, type II (OPD2). Also called: FACIOPALATOOSSEOUS SYNDROME; OPD II SYNDROME; Otopalatodigital Syndrome Type 2 (FLNA-OPD2); Otopalatodigital Syndrome, Type II. Identifiers: Orphanet 669, Orphanet 90652, MedGen C1844696, MONDO:0010571, OMIM 304120.
Intestinal pseudoobstruction, neuronal, chronic idiopathic, X-linked (CIIPX). Also called: CONGENITAL IDIOPATHIC INTESTINAL PSEUDOOBSTRUCTION; INTESTINAL PSEUDOOBSTRUCTION, NEURONAL, CHRONIC IDIOPATHIC, WITH CENTRAL NERVOUS SYSTEM INVOLVEMENT; FLNA-Related Periventricular Nodular Heterotopia (FLNA-Related PVNH; Huttenlocher Syndrome). Identifiers: Orphanet 2301, MedGen C2746068, MONDO:0010232, OMIM 300048.
Oto-palato-digital syndrome, type I (OPD1). Also called: OPD I SYNDROME; OPD SYNDROME 1; Otopalatodigital Syndrome Type 1 (FLNA-OPD1); Taybi syndrome; Otopalatodigital Syndrome, Type I. Identifiers: Orphanet 669, Orphanet 90650, MedGen C0265251, MONDO:0010704, OMIM 311300.
Cardiac valvular dysplasia, X-linked (CVDPX). Also called: MYXOMATOUS VALVULAR DYSTROPHY, X-LINKED; Isolated X-Linked Cardiac Valvular Dysplasia; FLNA-Related X-linked Cardiac Valvular Dysplasia; Congenital valvular dysplasia; VALVULAR HEART DISEASE, CONGENITAL. Identifiers: Orphanet 1864, Orphanet 555877, Orphanet 75497, MedGen C0262436, MONDO:0010753, OMIM 314400.
FG syndrome 2 (FGS2). Identifiers: MedGen C1845902, MONDO:0010297, OMIM 300321.
Terminal osseous dysplasia-pigmentary defects syndrome. Also called: ODPF SYNDROME; OSSEOUS DYSPLASIA, DIGITAL, WITH FACIAL PIGMENTARY DEFECTS AND MULTIPLE FRENULA; Terminal Osseous Dysplasia (FLNA-TOD); ODPD; TERMINAL OSSEOUS DYSPLASIA AND PIGMENTARY DEFECTS. Identifiers: Orphanet 88630, MedGen C1846129, MONDO:0010279, OMIM 300244.
Frontometaphyseal dysplasia (FMD1). Identifiers: Orphanet 1826, MedGen C0265293, MONDO:0015942.

gnomAD v4.1: 10 of 1,210,920 alleles (0.00083%); highest among the groups gnomAD compares: East Asian, 0.0089%; no homozygotes.

Submissions (5):

Labcorp Genetics (formerly Invitae), Labcorp
Classification: Likely benign for Oto-palato-digital syndrome, type II; Heterotopia, periventricular, X-linked dominant; Frontometaphyseal dysplasia; Melnick-Needles syndrome. Last evaluated: 2026-02-02. Review status: criteria provided, single submitter. Criteria: Invitae Variant Classification Sherloc (09022015). Collection method: clinical testing. Allele origin: germline.

Women's Health and Genetics/Laboratory Corporation of America, LabCorp
Classification: Likely benign. Last evaluated: 2025-02-25. Review status: criteria provided, single submitter. Criteria: LabCorp Variant Classification Summary - May 2015. Collection method: clinical testing. Allele origin: germline.

Center for Genomics, Ann and Robert H. Lurie Children's Hospital of Chicago
Classification: Uncertain significance for Oto-palato-digital syndrome, type II; Intestinal pseudoobstruction, neuronal, chronic idiopathic, X-linked; Cardiac valvular dysplasia, X-linked; FG syndrome 2; Melnick-Needles syndrome; Terminal osseous dysplasia-pigmentary defects syndrome; Oto-palato-digital syndrome, type I; Heterotopia, periventricular, X-linked dominant; Frontometaphyseal dysplasia 1. Review status: criteria provided, single submitter. Criteria: ACMG Guidelines, 2015. Collection method: clinical testing. Allele origin: germline.
Comment: This variant has not been reported in the literature but is present in the Genome Aggregation Database (Highest reported MAF 0.01% (2/13547) including 2 hemizygotes. Evolutionary conservation and computational predictive tools for this variant are limited or unavailable. Of note, this variant is a silent variant and does not change the amino acid, reducing the probability that this variant is disease causing. However, although this variant occurs in the exonic region, computational prediction tools suggest that it alters splicing. Further studies are needed to understand its impact. In summary, data on this variant is insufficient for disease classification. Therefore, the clinical significance of this variant is uncertain.

Dr. Peter K. Rogan Lab, Western University
No classification provided (evidence only). Condition: Thyroid cancer, nonmedullary, 1. Review status: no classification provided. Collection method: in vitro. Allele origin: not applicable. Functional consequence: retained intron. Not counted in ClinVar's aggregate classification.

Dr. Peter K. Rogan Lab, Western University
No classification provided (evidence only). Condition: Nonpapillary renal cell carcinoma. Review status: no classification provided. Collection method: in vitro. Allele origin: not applicable. Functional consequence: retained intron. Not counted in ClinVar's aggregate classification.

NM_001110556.2(FLNA):c.5406C>T (p.Gly1802=)

Gene: FLNA (filamin A; minus strand). Cytogenetic location: Xq28.
Variant type: single nucleotide variant.
Coding change: c.5406C>T on transcript NM_001110556.2 (MANE Select); coding-DNA position 5406, C replaced by T.
Protein change: p.Gly1802=; no amino-acid change (glycine 1802 retained).
Molecular consequence: synonymous variant.
Genome position (GRCh38, 1-based): chrX:154,354,391, G>A on the plus strand (C>T on the coding strand, the complement: FLNA is on the minus strand). VCF-style: chrX-154354391-G-A. GRCh37 (hg19) VCF-style: chrX-153582759-G-A.
Other names: c.5382C>T, p.Gly1794= (NM_001456.4).
Identifiers: ClinVar variation 2500033 (VCV002500033.7), dbSNP rs782099907, ClinGen allele CA10560331.